The following is an entry in ClinVar:

ClinVar aggregate classification (germline): Uncertain significance (1 of 4 stars; one submission).

Conditions:
Baller-Gerold syndrome (BGS). Also called: CRANIOSYNOSTOSIS WITH RADIAL DEFECTS. Identifiers: Orphanet 1225, MedGen C0265308, MONDO:0009039, OMIM 218600.

Submission:

Labcorp Genetics (formerly Invitae), Labcorp
Classification: Uncertain significance for Baller-Gerold syndrome. Last evaluated: 2020-08-26. Review status: criteria provided, single submitter. Criteria: Invitae Variant Classification Sherloc (09022015). Collection method: clinical testing. Allele origin: germline.
Comment: This variant, c.2901_2912del, results in the deletion of 4 amino acid(s) of the RECQL4 protein (p.Val968_Ala971del), but otherwise preserves the integrity of the reading frame. This variant is not present in population databases (ExAC no frequency). This variant has not been reported in the literature in individuals with RECQL4-related conditions. Experimental studies and prediction algorithms are not available or were not evaluated, and the functional significance of this variant is currently unknown. In summary, the available evidence is currently insufficient to determine the role of this variant in disease. Therefore, it has been classified as a Variant of Uncertain Significance.

NM_004260.4(RECQL4):c.2901_2912del (p.Val968_Ala971del)

Gene: RECQL4 (RecQ like helicase 4; minus strand). Cytogenetic location: 8q24.3.
Variant type: Deletion.
Coding change: c.2901_2912del on transcript NM_004260.4 (MANE Select); coding-DNA positions 2901 to 2912, 12 bases deleted (TGTGTGCTTGGC).
Protein change: p.Val968_Ala971del.
Molecular consequence: inframe deletion.
Genome position (GRCh38, 1-based): chr8:144,512,535-144,512,546, GCCAAGCACACA deleted on the plus strand (TGTGTGCTTGGC on the coding strand, the reverse complement: RECQL4 is on the minus strand); deleting any 12 consecutive bases within chr8:144,512,535-144,512,551 gives the same sequence; the c. name uses the placement nearest the transcript's 3' end. VCF-style (leftmost placement, unchanged base first): chr8-144512534-GGCCAAGCACACA-G. GRCh37 (hg19) VCF-style: chr8-145737917-GGCCAAGCACACA-G.
Identifiers: ClinVar variation 1024694 (VCV001024694.3), dbSNP rs1827445302, ClinGen allele CA1826365969.